The following is an entry in ClinVar:

ClinVar aggregate classification (germline): Pathogenic (1 of 4 stars; one submission).

Conditions:
Osteogenesis imperfecta type I (OI1). Also called: Osteogenesis imperfecta type 1; OI, TYPE I; OSTEOGENESIS IMPERFECTA TARDA; OSTEOGENESIS IMPERFECTA WITH BLUE SCLERAE; Lobstein's Disease; Lobstein disease. Identifiers: Orphanet 216796, Orphanet 666, MedGen C0023931, MONDO:0008146, OMIM 166200. Disease mechanism: loss of function.

Submission:

Labcorp Genetics (formerly Invitae), Labcorp
Classification: Pathogenic for Osteogenesis imperfecta type I. Last evaluated: 2023-03-25. Review status: criteria provided, single submitter. Criteria: Invitae Variant Classification Sherloc (09022015). Collection method: clinical testing. Allele origin: germline.
Comment: This sequence change creates a premature translational stop signal (p.Pro568Glnfs*12) in the COL1A1 gene. It is expected to result in an absent or disrupted protein product. Loss-of-function variants in COL1A1 are known to be pathogenic (PMID: 7942841, 9295084, 9443882). This variant is not present in population databases (gnomAD no frequency). This variant has not been reported in the literature in individuals affected with COL1A1-related conditions. ClinVar contains an entry for this variant (Variation ID: 526843). For these reasons, this variant has been classified as Pathogenic.

Literature cited by the submitters: PubMed 7942841; PubMed 9295084; PubMed 9443882.

NM_000088.4(COL1A1):c.1703del (p.Pro568fs)

Gene: COL1A1 (collagen type I alpha 1 chain; minus strand). Cytogenetic location: 17q21.33.
Variant type: Deletion.
Coding change: c.1703del on transcript NM_000088.4 (MANE Select); coding-DNA position 1703, one base deleted (C; older notation c.1703delC).
Protein change: p.Pro568fs; shifts the reading frame from proline 568.
Molecular consequence: frameshift variant.
Genome position (GRCh38, 1-based): chr17:50,194,007, G deleted on the plus strand (C on the coding strand, the reverse complement: COL1A1 is on the minus strand); the first of 5 consecutive G bases (chr17:50,194,007-50,194,011); deleting any one gives the same sequence. VCF-style (leftmost placement, unchanged base first): chr17-50194006-TG-T. GRCh37 (hg19) VCF-style: chr17-48271367-TG-T.
Other names: c.1703delC (NM_000088.3); short protein forms P568fs.
Identifiers: ClinVar variation 526843 (VCV000526843.7), dbSNP rs1555573629, ClinGen allele CA658798895.